The following is an entry in ClinVar:

ClinVar aggregate classification (germline): Likely benign (0 of 4 stars; one submission).

Conditions:
KIF3B-related disorder. Also called: KIF3B-related condition.

Submission:

PreventionGenetics, part of Exact Sciences
Classification: Likely benign for KIF3B-related condition. Last evaluated: 2021-06-22. Review status: no assertion criteria provided. Collection method: clinical testing. Allele origin: germline.
Comment: This variant is classified as likely benign based on ACMG/AMP sequence variant interpretation guidelines (Richards et al. 2015 PMID: 25741868, with internal and published modifications).

NM_004798.4(KIF3B):c.1245G>A (p.Arg415=)

Gene: KIF3B (kinesin family member 3B; plus strand). Cytogenetic location: 20q11.21.
Variant type: single nucleotide variant.
Coding change: c.1245G>A on transcript NM_004798.4 (MANE Select); coding-DNA position 1245, G replaced by A.
Protein change: p.Arg415=; no amino-acid change (arginine 415 retained).
Molecular consequence: synonymous variant.
Genome position (GRCh38, 1-based): chr20:32,311,022, G>A. VCF-style: chr20-32311022-G-A. GRCh37 (hg19) VCF-style: chr20-30898825-G-A.
Identifiers: ClinVar variation 3060641 (VCV003060641.2), dbSNP rs2515074299, ClinGen allele CA510469923.